The following is an entry in ClinVar:

NM_032242.4(PLXNA1):c.4996C>T (p.Arg1666Cys)

Gene: PLXNA1 (plexin A1; plus strand). Cytogenetic location: 3q21.3.
Variant type: single nucleotide variant.
Coding change: c.4996C>T on transcript NM_032242.4 (MANE Select); coding-DNA position 4996, C replaced by T.
Protein change: p.Arg1666Cys; replaces arginine 1666 with cysteine.
Molecular consequence: missense variant.
Genome position (GRCh38, 1-based): chr3:127,029,999, C>T. VCF-style: chr3-127029999-C-T. GRCh37 (hg19) VCF-style: chr3-126748842-C-T.
Other names: short protein forms R1666C.
Identifiers: ClinVar variation 2285026 (VCV002285026.3), dbSNP rs1308046539, ClinGen allele CA354401623.

ClinVar aggregate classification (germline): Uncertain significance. Review status: criteria provided, single submitter (1 of 4 stars). 2 submissions from 2 submitters: Uncertain significance (1). 1 of the submissions does not count toward it. Last evaluated 2022-04-22.

Conditions:
PLXNA1-related disorder. Also called: PLXNA1-related condition.

Allele frequency attached by ClinVar (database versions not stated): gnomAD 0.00001; gnomAD exomes 0.00001; TOPMed 0.00001.
gnomAD v4.1: 10 of 1,613,640 alleles (0.00062%); highest among the groups gnomAD compares: South Asian, 0.0022%; no homozygotes.

Submissions (2):

Ambry Genetics
Classification: Uncertain significance. Last evaluated: 2022-04-22. Review status: criteria provided, single submitter. Criteria: Ambry Variant Classification Scheme 2023. Collection method: clinical testing. Allele origin: germline.

PreventionGenetics, part of Exact Sciences
Classification: Uncertain significance for PLXNA1-related condition. Last evaluated: 2024-09-11. Review status: no assertion criteria provided. Collection method: clinical testing. Allele origin: germline. Not counted in ClinVar's aggregate classification.
Comment: The PLXNA1 c.4996C>T variant is predicted to result in the amino acid substitution p.Arg1666Cys. To our knowledge, this variant has not been reported in the literature. This variant is reported in 0.0065% of alleles in individuals of European (Non-Finnish) descent in gnomAD. At this time, the clinical significance of this variant is uncertain due to the absence of conclusive functional and genetic evidence.